The following is an entry in ClinVar:

ClinVar aggregate classification (germline): Likely benign. Review status: criteria provided, single submitter (1 of 4 stars). 2 submissions from 2 submitters: Likely benign (1). 1 of the submissions does not count toward it. Last evaluated 2025-05-22.

Conditions:
Spastic paraplegia. Identifiers: MedGen C0037772, HP:0001258.
KIF5A-related disorder. Also called: KIF5A-related condition; KIF5A-related disorders.

Allele frequency attached by ClinVar (database versions not stated): gnomAD exomes below 0.00001; ExAC 0.00002; gnomAD 0.00003.
gnomAD v4.1: 11 of 1,613,966 alleles (0.00068%); highest among the groups gnomAD compares: African/African-American, 0.015%; no homozygotes.

Submissions (2):

Labcorp Genetics (formerly Invitae), Labcorp
Classification: Likely benign for Spastic paraplegia. Last evaluated: 2025-05-22. Review status: criteria provided, single submitter. Criteria: Invitae Variant Classification Sherloc (09022015). Collection method: clinical testing. Allele origin: germline.

PreventionGenetics, part of Exact Sciences
Classification: Likely benign for KIF5A-related condition. Last evaluated: 2024-07-28. Review status: no assertion criteria provided. Collection method: clinical testing. Allele origin: germline. Not counted in ClinVar's aggregate classification.
Comment: This variant is classified as likely benign based on ACMG/AMP sequence variant interpretation guidelines (Richards et al. 2015 PMID: 25741868, with internal and published modifications).

NM_004984.4(KIF5A):c.2475C>T (p.Ser825=)

Gene: KIF5A (kinesin family member 5A; plus strand). Cytogenetic location: 12q13.3.
Variant type: single nucleotide variant.
Coding change: c.2475C>T on transcript NM_004984.4 (MANE Select); coding-DNA position 2475, C replaced by T.
Protein change: p.Ser825=; no amino-acid change (serine 825 retained).
Molecular consequence: synonymous variant.
Genome position (GRCh38, 1-based): chr12:57,578,279, C>T. VCF-style: chr12-57578279-C-T. GRCh37 (hg19) VCF-style: chr12-57972062-C-T.
Other names: c.2475C>T (NM_004984.2); c.2208C>T, p.Ser736= (NM_001354705.2).
Identifiers: ClinVar variation 2191727 (VCV002191727.5), dbSNP rs756196414, ClinGen allele CA6653135.